The following is an entry in ClinVar:

NM_001844.5(COL2A1):c.*28C>T

Gene: COL2A1 (collagen type II alpha 1 chain; minus strand). Cytogenetic location: 12q13.11.
Variant type: single nucleotide variant.
Coding change: c.*28C>T on transcript NM_001844.5 (MANE Select); 28 bases downstream of the stop codon, C replaced by T.
Molecular consequence: 3 prime UTR variant.
Genome position (GRCh38, 1-based): chr12:47,973,379, G>A on the plus strand (C>T on the coding strand, the complement: COL2A1 is on the minus strand). VCF-style: chr12-47973379-G-A. GRCh37 (hg19) VCF-style: chr12-48367162-G-A.
Other names: c.*28C>T (NM_033150.3).
Identifiers: ClinVar variation 308901 (VCV000308901.7), dbSNP rs41272775, ClinGen allele CA6534443.

ClinVar aggregate classification (germline): Likely benign. Review status: criteria provided, multiple submitters, no conflicts (2 of 4 stars). 3 submissions from 2 submitters: Likely benign (3). Last evaluated 2018-06-14.

Conditions:
Type 2 collagenopathy. Identifiers: Orphanet 93421, MedGen C2931073, MONDO:0022800.
Stickler syndrome type 1 (STL1). Also called: ARTHROOPHTHALMOPATHY, HEREDITARY PROGRESSIVE; STICKLER SYNDROME, MEMBRANOUS VITREOUS TYPE; STICKLER SYNDROME, VITREOUS TYPE 1; COL2A1-Related Stickler Syndrome. Identifiers: Orphanet 828, Orphanet 90653, MedGen C2020284, MONDO:0007160, OMIM 108300.

Allele frequency attached by ClinVar (database versions not stated): ESP Exome Variant Server 0.00008; gnomAD 0.00051 and 0.00084; gnomAD exomes 0.00058 and 0.00150; TOPMed 0.00077; ExAC 0.00142; 1000 Genomes Project 30x 0.00531; 1000 Genomes Project 0.00559.
gnomAD v4.1: 970 of 1,614,144 alleles (0.06%); highest among the groups gnomAD compares: East Asian, 1.7%; 6 homozygotes.

Submissions (3):

GeneDx
Classification: Likely benign. Last evaluated: 2018-06-14. Review status: criteria provided, single submitter. Criteria: GeneDx Variant Classification Process June 2021. Collection method: clinical testing. Allele origin: germline. Affected: yes.

Illumina Laboratory Services, Illumina
Classification: Likely benign for Stickler syndrome type 1. Last evaluated: 2017-04-27. Review status: criteria provided, single submitter. Criteria: ICSL Variant Classification Criteria 13 December 2019. Collection method: clinical testing. Allele origin: germline.
Comment: This variant was observed as part of a predisposition screen in an ostensibly healthy population. A literature search was performed for the gene, cDNA change, and amino acid change (where applicable). No publications were found based on this search. Allele frequency data from public databases allowed determination this variant is unlikely to cause disease. Therefore, this variant is classified as likely benign.

Illumina Laboratory Services, Illumina
Classification: Likely benign for Type II Collagenopathies. Last evaluated: 2017-04-27. Review status: criteria provided, single submitter. Criteria: ICSL Variant Classification Criteria 13 December 2019. Collection method: clinical testing. Allele origin: germline.
Comment: the same text as in the submission from Illumina Laboratory Services, Illumina above.